The following is an entry in ClinVar:

NM_001130987.2(DYSF):c.2216+6G>C

Gene: DYSF (dysferlin; plus strand). Cytogenetic location: 2p13.2.
Variant type: single nucleotide variant.
Coding change: c.2216+6G>C on transcript NM_001130987.2 (MANE Select); 6 bases into the intron after coding-DNA position 2216, G replaced by C.
Molecular consequence: intron variant.
Genome position (GRCh38, 1-based): chr2:71,556,077, G>C. VCF-style: chr2-71556077-G-C. GRCh37 (hg19) VCF-style: chr2-71783207-G-C.
Other names: c.2255+6G>C (NM_001130979.2); c.2213+6G>C (NM_001130981.2, NM_001130980.2); c.2162+6G>C (NM_001130978.2, NM_003494.4); c.2120+6G>C (NM_001130977.2, NM_001130976.2); c.2258+6G>C (NM_001130982.2); c.2216+6G>C (NM_001130985.2); c.2165+6G>C (NM_001130983.2, NM_001130455.2); c.2123+6G>C (NM_001130984.2, NM_001130986.2).
Identifiers: ClinVar variation 195677 (VCV000195677.11), dbSNP rs747059895, ClinGen allele CA242200.

ClinVar aggregate classification (germline): Conflicting classifications of pathogenicity. Review status: criteria provided, conflicting classifications (1 of 4 stars). 4 submissions from 4 submitters: Uncertain significance (2); Likely benign (1). 1 of the submissions does not count toward it. Last evaluated 2024-10-22.

Conditions:
Neuromuscular disease caused by qualitative or quantitative defects of dysferlin. Also called: Dysferlinopathy; Qualitative or quantitative defects of dysferlin. Identifiers: Orphanet 207073, MedGen C2931687, MONDO:0016145.
Autosomal recessive limb-girdle muscular dystrophy type 2B (LGMDR2). Also called: MUSCULAR DYSTROPHY, LIMB-GIRDLE, AUTOSOMAL RECESSIVE 2; Limb-girdle muscular dystrophy, type 2B; Limb-Girdle Muscular Dystrophy Type 2B (LGMD2B); MUSCULAR DYSTROPHY, LIMB-GIRDLE, TYPE 3. Identifiers: Orphanet 268, MedGen C1850889, MONDO:0009676, OMIM 253601.

Allele frequency attached by ClinVar (database versions not stated): TOPMed 0.00001; gnomAD 0.00002.

Submissions (4):

Blueprint Genetics
Classification: Likely benign. Last evaluated: 2024-10-22. Review status: criteria provided, single submitter. Criteria: ACMG Guidelines, 2015. Collection method: clinical testing. Allele origin: germline.

Labcorp Genetics (formerly Invitae), Labcorp
Classification: Uncertain significance for Neuromuscular disease caused by qualitative or quantitative defects of dysferlin. Last evaluated: 2021-08-20. Review status: criteria provided, single submitter. Criteria: Invitae Variant Classification Sherloc (09022015). Collection method: clinical testing. Allele origin: germline.
Comment: This sequence change falls in intron 22 of the DYSF gene. It does not directly change the encoded amino acid sequence of the DYSF protein. It affects a nucleotide within the consensus splice site of the intron. This variant is not present in population databases (ExAC no frequency). This variant has not been reported in the literature in individuals affected with DYSF-related conditions. ClinVar contains an entry for this variant (Variation ID: 195677). Variants that disrupt the consensus splice site are a relatively common cause of aberrant splicing (PMID: 17576681, 9536098). Algorithms developed to predict the effect of sequence changes on RNA splicing suggest that this variant is not likely to affect RNA splicing. In summary, the available evidence is currently insufficient to determine the role of this variant in disease. Therefore, it has been classified as a Variant of Uncertain Significance.

Eurofins Ntd Llc (ga)
Classification: Uncertain significance. Last evaluated: 2014-12-10. Review status: criteria provided, single submitter. Criteria: EGL Classification Definitions 2015. Collection method: clinical testing. Allele origin: germline. Observed: 1 variant allele, 1 heterozygote.

Natera, Inc.
Classification: Uncertain significance for Limb-girdle muscular dystrophy type 2B. Last evaluated: 2020-01-24. Review status: no assertion criteria provided. Collection method: clinical testing. Allele origin: germline. Not counted in ClinVar's aggregate classification.

Literature cited by the submitters: PubMed 17576681 (cited by Labcorp Genetics (formerly Invitae), Labcorp); PubMed 9536098 (cited by Labcorp Genetics (formerly Invitae), Labcorp).